The following is an entry in ClinVar:

ClinVar aggregate classification (germline): Uncertain significance (1 of 4 stars; one submission).

gnomAD v4.1: 1 of 1,605,428 alleles (0.000062%); highest among the groups gnomAD compares: Non-Finnish European, 0.000085%; no homozygotes.

Submission:

GeneDx
Classification: Uncertain significance. Last evaluated: 2025-06-25. Review status: criteria provided, single submitter. Criteria: GeneDx Variant Classification Process June 2021. Collection method: clinical testing. Allele origin: germline. Affected: yes.
Comment: Not observed at significant frequency in large population cohorts (gnomAD); In silico analysis supports that this missense variant has a deleterious effect on protein structure/function; Has not been previously published as pathogenic or benign to our knowledge

NM_021098.3(CACNA1H):c.4136T>C (p.Ile1379Thr)

Gene: CACNA1H (calcium voltage-gated channel subunit alpha1 H; plus strand). Cytogenetic location: 16p13.3.
Variant type: single nucleotide variant.
Coding change: c.4136T>C on transcript NM_021098.3 (MANE Select); coding-DNA position 4136, T replaced by C.
Protein change: p.Ile1379Thr; replaces isoleucine 1379 with threonine.
Molecular consequence: missense variant.
Genome position (GRCh38, 1-based): chr16:1,210,884, T>C. VCF-style: chr16-1210884-T-C. GRCh37 (hg19) VCF-style: chr16-1260884-T-C.
Other names: c.4136T>C, p.Ile1379Thr (NM_001005407.2); short protein forms I1379T.
Identifiers: ClinVar variation 4539834 (VCV004539834.1).